The following is an entry in ClinVar:

NM_002454.3(MTRR):c.1875G>T (p.Val625=)

Gene: MTRR (5-methyltetrahydrofolate-homocysteine methyltransferase reductase; plus strand). Cytogenetic location: 5p15.31.
Variant type: single nucleotide variant.
Coding change: c.1875G>T on transcript NM_002454.3 (MANE Select); coding-DNA position 1875, G replaced by T.
Protein change: p.Val625=; no amino-acid change (valine 625 retained).
Molecular consequence: synonymous variant. On other transcripts: non-coding transcript variant (14).
Genome position (GRCh38, 1-based): chr5:7,897,170, G>T. VCF-style: chr5-7897170-G-T. GRCh37 (hg19) VCF-style: chr5-7897283-G-T.
Other names: c.1875G>T, p.Val625= (NM_001364440.2, NM_001364441.2, NM_001364442.2 and 1 more transcripts).
Identifiers: ClinVar variation 384220 (VCV000384220.15), dbSNP rs12347, ClinGen allele CA3196091.

ClinVar aggregate classification (germline): Conflicting classifications of pathogenicity. Review status: criteria provided, conflicting classifications (1 of 4 stars). 3 submissions from 3 submitters: Uncertain significance (1); Likely benign (2). Last evaluated 2025-04-01.

Conditions:
Disorders of Intracellular Cobalamin Metabolism. Identifiers: MedGen CN043592.
Methylcobalamin deficiency type cblE (HMAE). Also called: HOMOCYSTINURIA-MEGALOBLASTIC ANEMIA, cblE COMPLEMENTATION TYPE; HOMOCYSTINURIA-MEGALOBLASTIC ANEMIA, cblE TYPE; VITAMIN B12-RESPONSIVE HOMOCYSTINURIA, cblE TYPE. Identifiers: Orphanet 2169, Orphanet 622, MedGen C1856057, MONDO:0009354, OMIM 236270.

Allele frequency attached by ClinVar (database versions not stated): 1000 Genomes Project 30x 0.00047.
gnomAD v4.1: 70 of 1,614,048 alleles (0.0043%); highest among the groups gnomAD compares: African/African-American, 0.079%; no homozygotes.

Submissions (3):

Labcorp Genetics (formerly Invitae), Labcorp
Classification: Likely benign for Methylcobalamin deficiency type cblE. Last evaluated: 2025-04-01. Review status: criteria provided, single submitter. Criteria: Invitae Variant Classification Sherloc (09022015). Collection method: clinical testing. Allele origin: germline.

Illumina Laboratory Services, Illumina
Classification: Uncertain significance for Disorders of Intracellular Cobalamin Metabolism. Last evaluated: 2017-05-12. Review status: criteria provided, single submitter. Criteria: ICSL Variant Classification Criteria 13 December 2019. Collection method: clinical testing. Allele origin: germline.
Comment: This variant was observed as part of a predisposition screen in an ostensibly healthy population. A literature search was performed for the gene, cDNA change, and amino acid change (where applicable). Publications were found based on this search. However, the evidence from the literature, in combination with allele frequency data from public databases where available, was not sufficient to rule this variant in or out of causing disease. Therefore, this variant is classified as a variant of unknown significance.

GeneDx
Classification: Likely benign. Last evaluated: 2016-03-25. Review status: criteria provided, single submitter. Criteria: GeneDx Variant Classification (06012015). Collection method: clinical testing. Allele origin: germline. Affected: yes.
Comment: This variant is considered likely benign or benign based on one or more of the following criteria: it is a conservative change, it occurs at a poorly conserved position in the protein, it is predicted to be benign by multiple in silico algorithms, and/or has population frequency not consistent with disease.

Literature cited by the submitters: PubMed 15494741 (cited by Illumina Laboratory Services, Illumina); PubMed 15292234 (cited by Illumina Laboratory Services, Illumina).